The following is an entry in ClinVar:

ClinVar aggregate classification (germline): Uncertain significance (1 of 4 stars; one submission).

Submission:

Ambry Genetics
Classification: Uncertain significance. Last evaluated: 2024-04-11. Review status: criteria provided, single submitter. Criteria: Ambry Variant Classification Scheme 2023. Collection method: clinical testing. Allele origin: germline.
Comment: The p.D517Y variant (also known as c.1549G>T), located in coding exon 3 of the ALPK2 gene, results from a G to T substitution at nucleotide position 1549. The aspartic acid at codon 517 is replaced by tyrosine, an amino acid with highly dissimilar properties. This amino acid position is conserved. In addition, this alteration is predicted to be tolerated by in silico analysis. Based on the available evidence, the clinical significance of this variant remains unclear.

NM_052947.4(ALPK2):c.1549G>T (p.Asp517Tyr)

Gene: ALPK2 (alpha kinase 2; minus strand). Cytogenetic location: 18q21.31.
Variant type: single nucleotide variant.
Coding change: c.1549G>T on transcript NM_052947.4 (MANE Select); coding-DNA position 1549, G replaced by T.
Protein change: p.Asp517Tyr; replaces aspartic acid 517 with tyrosine.
Molecular consequence: missense variant.
Genome position (GRCh38, 1-based): chr18:58,579,227, C>A on the plus strand (G>T on the coding strand, the complement: ALPK2 is on the minus strand). VCF-style: chr18-58579227-C-A. GRCh37 (hg19) VCF-style: chr18-56246459-C-A.
Other names: short protein forms D517Y.
Identifiers: ClinVar variation 3290049 (VCV003290049.1).